The following is an entry in ClinVar:

ClinVar aggregate classification (germline): Likely benign (1 of 4 stars; one submission).

gnomAD v4.1: 12,939 of 1,613,222 alleles (0.8%); highest among the groups gnomAD compares: Non-Finnish European, 0.88%; 73 homozygotes.

Submission:

CeGaT Center for Human Genetics Tuebingen
Classification: Likely benign. Last evaluated: 2025-06-01. Review status: criteria provided, single submitter. Criteria: CeGaT Center For Human Genetics Tuebingen Variant Classification Criteria Version 2. Collection method: clinical testing. Allele origin: germline. Affected: yes. Observed: 1 variant allele.
Comment: PPAN: BP4, BS2; PPAN-P2RY11: BP4, BS2

NM_020230.7(PPAN):c.1250G>A (p.Arg417Gln)

Genes: PPAN (peter pan homolog; plus strand), PPAN-P2RY11 (PPAN-P2RY11 readthrough; plus strand). Cytogenetic location: 19p13.2.
Variant type: single nucleotide variant.
Coding change: c.1250G>A on transcript NM_020230.7 (MANE Select); coding-DNA position 1250, G replaced by A.
Protein change: p.Arg417Gln; replaces arginine 417 with glutamine.
Molecular consequence: missense variant.
Genome position (GRCh38, 1-based): chr19:10,110,993, G>A. VCF-style: chr19-10110993-G-A. GRCh37 (hg19) VCF-style: chr19-10221669-G-A.
Other names: c.1247G>A, p.Arg416Gln (NM_001346139.1); c.1091G>A, p.Arg364Gln (NM_001346141.1); c.1250G>A, p.Arg417Gln (NM_001040664.3, NM_001198690.2); short protein forms R364Q, R416Q, R417Q.
Identifiers: ClinVar variation 3904791 (VCV003904791.10).